The following is an entry in ClinVar:

ClinVar aggregate classification (germline): Uncertain significance (1 of 4 stars; one submission).

Conditions:
Combined immunodeficiency with skin granulomas. Identifiers: Orphanet 157949, MedGen C2673536, MONDO:0009306, OMIM 233650.
Severe combined immunodeficiency, autosomal recessive, T cell-negative, B cell-negative, NK cell-positive. Also called: SCID, T CELL-NEGATIVE, B CELL-NEGATIVE, NK CELL-POSITIVE; SCID, AR, T-cell negative, B-cell negative, NK cell-positive; Severe combined immunodeficiency due to complete RAG1/2 deficiency. Identifiers: Orphanet 331206, MedGen C1832322, MONDO:0011086, OMIM 601457.

Allele frequency attached by ClinVar (database versions not stated): gnomAD exomes below 0.00001.
gnomAD v4.1: 1 of 1,614,150 alleles (0.000062%); highest among the groups gnomAD compares: South Asian, 0.0011%; no homozygotes.

Submission:

Labcorp Genetics (formerly Invitae), Labcorp
Classification: Uncertain significance for Combined immunodeficiency with skin granulomas; Severe combined immunodeficiency, autosomal recessive, T cell-negative, B cell-negative, NK cell-positive. Last evaluated: 2019-08-13. Review status: criteria provided, single submitter. Criteria: Invitae Variant Classification Sherloc (09022015). Collection method: clinical testing. Allele origin: germline.
Comment: In summary, the available evidence is currently insufficient to determine the role of this variant in disease. Therefore, it has been classified as a Variant of Uncertain Significance. Algorithms developed to predict the effect of missense changes on protein structure and function are either unavailable or do not agree on the potential impact of this missense change (SIFT: "Tolerated"; PolyPhen-2: "Possibly Damaging"; Align-GVGD: "Class C0"). This variant has not been reported in the literature in individuals with RAG2-related conditions. This variant is not present in population databases (ExAC no frequency). This sequence change replaces phenylalanine with serine at codon 399 of the RAG2 protein (p.Phe399Ser). The phenylalanine residue is moderately conserved and there is a large physicochemical difference between phenylalanine and serine.

NM_000536.4(RAG2):c.1196T>C (p.Phe399Ser)

Gene: RAG2 (recombination activating 2; minus strand). Cytogenetic location: 11p12.
Variant type: single nucleotide variant.
Coding change: c.1196T>C on transcript NM_000536.4 (MANE Select); coding-DNA position 1196, T replaced by C.
Protein change: p.Phe399Ser; replaces phenylalanine 399 with serine.
Molecular consequence: missense variant.
Genome position (GRCh38, 1-based): chr11:36,592,973, A>G on the plus strand (T>C on the coding strand, the complement: RAG2 is on the minus strand). VCF-style: chr11-36592973-A-G. GRCh37 (hg19) VCF-style: chr11-36614523-A-G.
Other names: c.1196T>C, p.Phe399Ser (NM_001243785.2, NM_001243786.2); short protein forms F399S.
Identifiers: ClinVar variation 940549 (VCV000940549.9), dbSNP rs1851056904, ClinGen allele CA380140904.